The following is an entry in ClinVar:

ClinVar aggregate classification (germline): Uncertain significance. Review status: criteria provided, multiple submitters, no conflicts (2 of 4 stars). 2 submissions from 2 submitters: Uncertain significance (2). Last evaluated 2023-06-22.

Conditions:
Alstrom syndrome (ALMS). Identifiers: Orphanet 64, MedGen C0268425, MONDO:0008763, OMIM 203800.
Cardiovascular phenotype. Identifiers: MedGen CN230736.

Allele frequency attached by ClinVar (database versions not stated): TOPMed below 0.00001.

Submissions (2):

Ambry Genetics
Classification: Uncertain significance for Cardiovascular phenotype. Last evaluated: 2023-06-22. Review status: criteria provided, single submitter. Criteria: Ambry Variant Classification Scheme 2023. Collection method: clinical testing. Allele origin: germline.
Comment: The c.12466-1G>C intronic variant results from a G to C substitution one nucleotide upstream from coding exon 23 of the ALMS1 gene. This nucleotide position is highly conserved in available vertebrate species. In silico splice site analysis predicts that this alteration will weaken the native splice acceptor site and will result in the creation or strengthening of a novel splice acceptor site. Alterations that disrupt the canonical splice site are expected to cause aberrant splicing, resulting in an abnormal protein or a transcript that is subject to nonsense-mediated mRNA decay. However, this alteration occurs at the 3' terminus of the ALMS1 gene and is predicted to result in a frameshift that would both impact the last 14 amino acids of the native protein and elongate the protein by 24 amino acids. This elongating frameshift would not be expected to trigger nonsense-mediated mRNA decay, and its impact on protein function is unknown. Since supporting evidence is limited at this time, the clinical significance of this alteration remains unclear.

Labcorp Genetics (formerly Invitae), Labcorp
Classification: Uncertain significance for Alstrom syndrome. Last evaluated: 2022-04-23. Review status: criteria provided, single submitter. Criteria: Invitae Variant Classification Sherloc (09022015). Collection method: clinical testing. Allele origin: germline.
Comment: This sequence change affects an acceptor splice site in intron 22 of the ALMS1 gene. While this variant is not anticipated to result in nonsense mediated decay, it likely alters RNA splicing and results in a disrupted protein product. The frequency data for this variant in the population databases is considered unreliable, as metrics indicate poor data quality at this position in the gnomAD database. This variant has not been reported in the literature in individuals affected with ALMS1-related conditions. Variants that disrupt the consensus splice site are a relatively common cause of aberrant splicing (PMID: 17576681, 9536098). Algorithms developed to predict the effect of sequence changes on RNA splicing suggest that this variant may disrupt the consensus splice site. In summary, the available evidence is currently insufficient to determine the role of this variant in disease. Therefore, it has been classified as a Variant of Uncertain Significance.

Literature cited by the submitters: PubMed 17576681 (cited by Labcorp Genetics (formerly Invitae), Labcorp); PubMed 9536098 (cited by Labcorp Genetics (formerly Invitae), Labcorp).

NM_001378454.1(ALMS1):c.12463-1G>C

Gene: ALMS1 (ALMS1 centrosome and basal body associated protein; plus strand). Cytogenetic location: 2p13.1.
Variant type: single nucleotide variant.
Coding change: c.12463-1G>C on transcript NM_001378454.1 (MANE Select); the canonical splice acceptor site of the intron before coding-DNA position 12463, G replaced by C.
Molecular consequence: splice acceptor variant.
Genome position (GRCh38, 1-based): chr2:73,609,567, G>C. VCF-style: chr2-73609567-G-C. GRCh37 (hg19) VCF-style: chr2-73836694-G-C.
Other names: c.12466-1G>C (NM_015120.4); c.12463-1G>C (NM_015120.4).
Identifiers: ClinVar variation 1759533 (VCV001759533.6), dbSNP rs1383872089, ClinGen allele CA347276335.